The following is an entry in ClinVar:

ClinVar aggregate classification (germline): Uncertain significance (1 of 4 stars; one submission).

Conditions:
Inborn genetic diseases. Identifiers: MedGen C0950123, MeSH D030342.

gnomAD v4.1: 3 of 1,613,646 alleles (0.00019%); highest among the groups gnomAD compares: South Asian, 0.0022%; no homozygotes.

Submission:

Ambry Genetics
Classification: Uncertain significance for Inborn genetic diseases. Last evaluated: 2025-08-20. Review status: criteria provided, single submitter. Criteria: Ambry Variant Classification Scheme 2023. Collection method: clinical testing. Allele origin: germline.
Comment: The p.C1538R variant (also known as c.4612T>C), located in coding exon 1 of the SAMD9 gene, results from a T to C substitution at nucleotide position 4612. The cysteine at codon 1538 is replaced by arginine, an amino acid with highly dissimilar properties. This amino acid position is conserved. In addition, this alteration is predicted to be tolerated by in silico analysis. Based on the available evidence, the clinical significance of this variant remains unclear.

NM_017654.4(SAMD9):c.4612T>C (p.Cys1538Arg)

Gene: SAMD9 (sterile alpha motif domain containing 9; minus strand). Cytogenetic location: 7q21.2.
Variant type: single nucleotide variant.
Coding change: c.4612T>C on transcript NM_017654.4 (MANE Select); coding-DNA position 4612, T replaced by C.
Protein change: p.Cys1538Arg; replaces cysteine 1538 with arginine.
Molecular consequence: missense variant.
Genome position (GRCh38, 1-based): chr7:93,101,486, A>G on the plus strand (T>C on the coding strand, the complement: SAMD9 is on the minus strand). VCF-style: chr7-93101486-A-G. GRCh37 (hg19) VCF-style: chr7-92730799-A-G.
Other names: c.4612T>C, p.Cys1538Arg (NM_001193307.2); short protein forms C1538R.
Identifiers: ClinVar variation 4159163 (VCV004159163.1).